The following is an entry in ClinVar:

ClinVar aggregate classification (germline): Pathogenic (1 of 4 stars; one submission).

Conditions:
Primary ciliary dyskinesia. Also called: Ciliary dyskinesia. Identifiers: Orphanet 244, MedGen C0008780, MONDO:0016575, HP:0012265.

Submission:

Labcorp Genetics (formerly Invitae), Labcorp
Classification: Pathogenic for Primary ciliary dyskinesia. Last evaluated: 2024-02-04. Review status: criteria provided, single submitter. Criteria: Invitae Variant Classification Sherloc (09022015). Collection method: clinical testing. Allele origin: germline.
Comment: This sequence change creates a premature translational stop signal (p.Met1370Serfs*5) in the DNAH5 gene. It is expected to result in an absent or disrupted protein product. Loss-of-function variants in DNAH5 are known to be pathogenic (PMID: 11788826, 16627867). This variant is not present in population databases (gnomAD no frequency). This variant has not been reported in the literature in individuals affected with DNAH5-related conditions. For these reasons, this variant has been classified as Pathogenic.

Literature cited by the submitters: PubMed 11788826; PubMed 16627867.

NM_001369.3(DNAH5):c.4107_4111del (p.Met1370fs)

Genes: DNAH5 (dynein axonemal heavy chain 5; minus strand), DNAH5-AS1 (DNAH5 antisense RNA 1; plus strand). Cytogenetic location: 5p15.2.
Variant type: Deletion.
Coding change: c.4107_4111del on transcript NM_001369.3 (MANE Select); coding-DNA positions 4107 to 4111, 5 bases deleted (CATGT; older notation c.4107_4111delCATGT).
Protein change: p.Met1370fs; shifts the reading frame from methionine 1370.
Molecular consequence: frameshift variant.
Genome position (GRCh38, 1-based): chr5:13,866,225-13,866,229, ACATG deleted on the plus strand (CATGT on the coding strand, the reverse complement: DNAH5 is on the minus strand); deleting any 5 consecutive bases within chr5:13,866,225-13,866,230 gives the same sequence; the c. name uses the placement nearest the transcript's 3' end. VCF-style (leftmost placement, unchanged base first): chr5-13866224-AACATG-A. GRCh37 (hg19) VCF-style: chr5-13866333-AACATG-A.
Other names: short protein forms M1370fs.
Identifiers: ClinVar variation 3638827 (VCV003638827.2).
Genomic context (GRCh38, chr5:13,866,224, plus strand): 5'-TTTAAAACACAACAAAGTTTCATTGTTTAGAAAGTCATAGAAACTAAAAAGATTACCTGA[AACATG>A]ATAAGCCTGTCACTGGCTTCCTGGGGCTTCAAGCCGCTAGCCATTGGACCATTCTGAACA-3'